The following is an entry in ClinVar:

ClinVar aggregate classification (germline): Uncertain significance (1 of 4 stars; one submission).

Submission:

Labcorp Genetics (formerly Invitae), Labcorp
Classification: Uncertain significance. Last evaluated: 2021-03-21. Review status: criteria provided, single submitter. Criteria: Invitae Variant Classification Sherloc (09022015). Collection method: clinical testing. Allele origin: germline.
Comment: This sequence change replaces proline with histidine at codon 525 of the PACS2 protein (p.Pro525His). The proline residue is weakly conserved and there is a moderate physicochemical difference between proline and histidine. This variant is not present in population databases (ExAC no frequency). This variant has not been reported in the literature in individuals with PACS2-related conditions. Algorithms developed to predict the effect of missense changes on protein structure and function are either unavailable or do not agree on the potential impact of this missense change (SIFT: "Tolerated"; PolyPhen-2: "Possibly Damaging"; Align-GVGD: "Class C0"). In summary, the available evidence is currently insufficient to determine the role of this variant in disease. Therefore, it has been classified as a Variant of Uncertain Significance.

NM_001100913.3(PACS2):c.1574C>A (p.Pro525His)

Gene: PACS2 (phosphofurin acidic cluster sorting protein 2; plus strand). Cytogenetic location: 14q32.33.
Variant type: single nucleotide variant.
Coding change: c.1574C>A on transcript NM_001100913.3 (MANE Select); coding-DNA position 1574, C replaced by A.
Protein change: p.Pro525His; replaces proline 525 with histidine.
Molecular consequence: missense variant.
Genome position (GRCh38, 1-based): chr14:105,382,862, C>A. VCF-style: chr14-105382862-C-A. GRCh37 (hg19) VCF-style: chr14-105849199-C-A.
Other names: c.1337C>A, p.Pro446His (NM_001243127.3); c.1562C>A, p.Pro521His (NM_015197.4); short protein forms P525H, P521H, P446H.
Identifiers: ClinVar variation 1460855 (VCV001460855.8), dbSNP rs2141248318, ClinGen allele CA391182789.